The following is an entry in ClinVar:

NM_001378454.1(ALMS1):c.10643T>A (p.Leu3548His)

Gene: ALMS1 (ALMS1 centrosome and basal body associated protein; plus strand). Cytogenetic location: 2p13.1.
Variant type: single nucleotide variant.
Coding change: c.10643T>A on transcript NM_001378454.1 (MANE Select); coding-DNA position 10643, T replaced by A.
Protein change: p.Leu3548His; replaces leucine 3548 with histidine.
Molecular consequence: missense variant.
Genome position (GRCh38, 1-based): chr2:73,572,520, T>A. VCF-style: chr2-73572520-T-A. GRCh37 (hg19) VCF-style: chr2-73799647-T-A.
Other names: c.10646T>A, p.Leu3549His (NM_015120.4); short protein forms L3548H, L3549H.
Identifiers: ClinVar variation 933933 (VCV000933933.8), dbSNP rs1674958037, ClinGen allele CA347284441.

ClinVar aggregate classification (germline): Uncertain significance (1 of 4 stars; one submission).

Conditions:
Alstrom syndrome (ALMS). Identifiers: Orphanet 64, MedGen C0268425, MONDO:0008763, OMIM 203800.

Submission:

Labcorp Genetics (formerly Invitae), Labcorp
Classification: Uncertain significance for Alstrom syndrome. Last evaluated: 2019-05-22. Review status: criteria provided, single submitter. Criteria: Invitae Variant Classification Sherloc (09022015). Collection method: clinical testing. Allele origin: germline.
Comment: This sequence change replaces leucine with histidine at codon 3549 of the ALMS1 protein (p.Leu3549His). The leucine residue is highly conserved and there is a moderate physicochemical difference between leucine and histidine. This variant is not present in population databases (ExAC no frequency). This variant has not been reported in the literature in individuals with ALMS1-related conditions. Algorithms developed to predict the effect of missense changes on protein structure and function are either unavailable or do not agree on the potential impact of this missense change (SIFT: "Deleterious"; PolyPhen-2: "Not Available"; Align-GVGD: "Class C0"). In summary, the available evidence is currently insufficient to determine the role of this variant in disease. Therefore, it has been classified as a Variant of Uncertain Significance.